The following is an entry in ClinVar:

NM_006005.3(WFS1):c.1096C>T (p.Gln366Ter)

Gene: WFS1 (wolframin ER transmembrane glycoprotein; plus strand). Cytogenetic location: 4p16.1.
Variant type: single nucleotide variant.
Coding change: c.1096C>T on transcript NM_006005.3 (MANE Select); coding-DNA position 1096, C replaced by T.
Protein change: p.Gln366Ter; replaces glutamine 366 with a stop codon.
Molecular consequence: nonsense.
Genome position (GRCh38, 1-based): chr4:6,300,891, C>T. VCF-style: chr4-6300891-C-T. GRCh37 (hg19) VCF-style: chr4-6302618-C-T.
Other names: c.1096C>T, p.Gln366Ter (NM_001145853.1); short protein forms Q366*.
Identifiers: ClinVar variation 1012716 (VCV001012716.50), dbSNP rs761320763, ClinGen allele CA2839217.

ClinVar aggregate classification (germline): Pathogenic/Likely pathogenic. Review status: criteria provided, multiple submitters, no conflicts (2 of 4 stars). 8 submissions from 8 submitters: Pathogenic (4); Likely pathogenic (2). 2 of the submissions do not count toward it. Last evaluated 2025-12-30.

Conditions:
Autosomal dominant nonsyndromic hearing loss 6 (LFSNHL). Also called: Autosomal dominant nonsyndromic deafness 6; DEAFNESS, AUTOSOMAL DOMINANT 14; DEAFNESS, AUTOSOMAL DOMINANT 38; DEAFNESS, AUTOSOMAL DOMINANT 6. Identifiers: Orphanet 90635, MedGen C1833021, MONDO:0010963, OMIM 600965.
Type 2 diabetes mellitus. Also called: Type II diabetes mellitus. Identifiers: MedGen C0011860, MeSH D003924, MONDO:0005148, OMIM 125853, HP:0005978.
Wolfram-like syndrome. Also called: HEARING LOSS, PROGRESSIVE, WITH OPTIC ATROPHY AND/OR IMPAIRED GLUCOSE REGULATION. Identifiers: Orphanet 411590, MedGen C3280358, MONDO:0013673, OMIM 614296.
Cataract 41 (CTRCT41). Also called: CATARACT 41, CONGENITAL NUCLEAR TYPE. Identifiers: Orphanet 91492, Orphanet 98991, Orphanet 98992, Orphanet 98995, MedGen C3805412, MONDO:0007287, OMIM 116400.
Wolfram syndrome 1 (WFS1). Identifiers: Orphanet 3463, MedGen C4551693, MONDO:0009101, OMIM 222300.
WFS1-related disorder. Identifiers: MedGen CN379391, MONDO:0700293.

Allele frequency attached by ClinVar (database versions not stated): ExAC 0.00001; gnomAD 0.00001; gnomAD exomes 0.00001; TOPMed 0.00001.
gnomAD v4.1: 20 of 1,614,032 alleles (0.0012%); highest among the groups gnomAD compares: African/African-American, 0.0027%; no homozygotes.

Submissions (8):

3billion
Classification: Pathogenic for Wolfram syndrome 1. Last evaluated: 2025-12-30. Review status: criteria provided, single submitter. Criteria: ACMG Guidelines, 2015. Collection method: clinical testing. Allele origin: germline. Affected: yes.
Comment: The variant is observed at an extremely low frequency in the gnomAD v4.1.0 dataset (total allele frequency: 0.001%). Predicted Consequence/Location: Stop-gained (nonsense): predicted to result in a loss or disruption of normal protein function through protein truncation. The predicted truncated protein may be shortened by more than 10%. The variant has been reported at least twice as pathogenic with clinical assertions and evidence for the classification (ClinVar ID: VCV001012716 /PMID: 9817917). Therefore, this variant is classified as Pathogenic according to the recommendation of ACMG/AMP guideline.

Labcorp Genetics (formerly Invitae), Labcorp
Classification: Pathogenic. Last evaluated: 2025-12-26. Review status: criteria provided, single submitter. Criteria: Invitae Variant Classification Sherloc (09022015). Collection method: clinical testing. Allele origin: germline.
Comment: This sequence change creates a premature translational stop signal (p.Gln366*) in the WFS1 gene. While this is not anticipated to result in nonsense mediated decay, it is expected to disrupt the last 525 amino acid(s) of the WFS1 protein. This variant is present in population databases (rs761320763, gnomAD 0.01%). This premature translational stop signal has been observed in individual(s) with autosomal recessive Wolfram syndrome (PMID: 9817917, 17568405, 21602428, 28432734). This variant has been reported in individual(s) with autosomal dominant Wolfram-like syndrome (PMID: 9817917); however, the role of the variant in this condition is currently unclear. ClinVar contains an entry for this variant (Variation ID: 1012716). For these reasons, this variant has been classified as Pathogenic.

Dasa
Classification: Likely pathogenic. Last evaluated: 2025-07-23. Review status: criteria provided, single submitter. Criteria: DASA Assertion Criteria. Collection method: clinical testing. Allele origin: germline.
Comment: NM_006005.3(WFS1):c.1096C>T (p.Gln366*) is a nonsense variant in WFS1 predicted to introduce a premature termination codon and is predicted to result in an absent or altered protein product. Loss of function is an established disease mechanism for WFS1-associated disorders. This variant has been reported in individuals with WFS1-related disorders. Also, this variant is rare in population databases. Based on the currently available evidence, this variant is classified as likely pathogenic.

Blueprint Genetics
Classification: Pathogenic for WFS1-related disorders. Last evaluated: 2022-09-16. Review status: criteria provided, single submitter. Criteria: ACMG Guidelines, 2015. Collection method: clinical testing. Allele origin: germline. Affected: yes. Observed: 5 variant alleles.

Fulgent Genetics
Classification: Likely pathogenic for Cataract 41; Type 2 diabetes mellitus; Wolfram syndrome 1; Autosomal dominant nonsyndromic hearing loss 6; Wolfram-like syndrome. Last evaluated: 2022-02-16. Review status: criteria provided, single submitter. Criteria: ACMG Guidelines, 2015. Collection method: clinical testing. Allele origin: unknown.

CeGaT Center for Human Genetics Tuebingen
Classification: Pathogenic. Last evaluated: 2020-07-01. Review status: criteria provided, single submitter. Criteria: CeGaT Center For Human Genetics Tuebingen Variant Classification Criteria Version 2. Collection method: clinical testing. Allele origin: germline. Affected: yes. Observed: 1 variant allele.

Genome Diagnostics Laboratory, Amsterdam University Medical Center
Classification: Pathogenic. Review status: no assertion criteria provided. Collection method: clinical testing. Allele origin: germline. Affected: yes. Study: VKGL Data-share Consensus. Not counted in ClinVar's aggregate classification.

Joint Genome Diagnostic Labs from Nijmegen and Maastricht, Radboudumc and MUMC+
Classification: Pathogenic. Review status: no assertion criteria provided. Collection method: clinical testing. Allele origin: germline. Affected: yes. Study: VKGL Data-share Consensus. Not counted in ClinVar's aggregate classification.

Literature cited by the submitters: PubMed 9817917 (cited by 3billion and Labcorp Genetics (formerly Invitae), Labcorp); PubMed 17568405 (cited by Labcorp Genetics (formerly Invitae), Labcorp); PubMed 21602428 (cited by Labcorp Genetics (formerly Invitae), Labcorp); PubMed 28432734 (cited by Labcorp Genetics (formerly Invitae), Labcorp).